The following is an entry in ClinVar:

ClinVar aggregate classification (germline): Benign. Review status: reviewed by expert panel (3 of 4 stars). 3 submissions from 3 submitters: Benign (1). 2 of the submissions do not count toward it. Last evaluated 2026-02-06.

Conditions:
Hereditary factor IX deficiency disease (HEMB). Also called: Christmas Disease; F9 DEFICIENCY; FACTOR IX DEFICIENCY; PLASMA THROMBOPLASTIN COMPONENT DEFICIENCY; Hemophilia B. Identifiers: Orphanet 98879, MedGen C0008533, MeSH D002836, MONDO:0010604, OMIM 306900.
Thrombophilia, X-linked, due to factor 9 defect. Identifiers: MedGen C2749016, MONDO:0010432, OMIM 300807.

Allele frequency attached by ClinVar (database versions not stated): 1000 Genomes Project 30x 0.00021; 1000 Genomes Project 0.00026.
gnomAD v4.1: 29 of 1,207,866 alleles (0.0024%); highest among the groups gnomAD compares: East Asian, 0.041%; no homozygotes.

Submissions (3):

ClinGen Coagulation Factor Deficiency Variant Curation Expert Panel, Clingen
Classification: Benign for Hereditary factor IX deficiency disease. Last evaluated: 2026-02-06. Review status: reviewed by expert panel. Criteria: ClinGen CoagFactor ACMG Specifications F9 V1.0.0. Collection method: curation. Allele origin: germline. Inheritance: X-linked inheritance.
Comment: The NM_000133.4(F9):c.7C>T; p.Arg3Cys variant is a missense variant in F9 that has a MAF of 0.0006498 (9/13851 alleles) in the East Asian population in gnomAD v2.1.1 with 3 hemizygotes, meeting BA1 criteria of MAF > 0.0000556. In summary, this variant meets criteria to be classified as benign. ACMG/AMP criteria applied, as specified by the Coagulation Factor Deficiency Variant Curation Expert Panel v1.0 rule specifications for F9: BA1.

Labcorp Genetics (formerly Invitae), Labcorp
Classification: Benign for Thrombophilia, X-linked, due to factor 9 defect; Hereditary factor IX deficiency disease. Last evaluated: 2026-01-13. Review status: criteria provided, single submitter. Criteria: Invitae Variant Classification Sherloc (09022015). Collection method: clinical testing. Allele origin: germline. Not counted in ClinVar's aggregate classification.

Natera, Inc.
Classification: Likely benign for Hemophilia B. Last evaluated: 2020-01-02. Review status: no assertion criteria provided. Collection method: clinical testing. Allele origin: germline. Not counted in ClinVar's aggregate classification.

NM_000133.4(F9):c.7C>T (p.Arg3Cys)

Gene: F9 (coagulation factor IX; plus strand). Cytogenetic location: Xq27.1.
Variant type: single nucleotide variant.
Coding change: c.7C>T on transcript NM_000133.4 (MANE Select); coding-DNA position 7, C replaced by T.
Protein change: p.Arg3Cys; replaces arginine 3 with cysteine.
Molecular consequence: missense variant.
Genome position (GRCh38, 1-based): chrX:139,530,771, C>T. VCF-style: chrX-139530771-C-T. GRCh37 (hg19) VCF-style: chrX-138612930-C-T.
Other names: NM_000133.4(F9):c.7C>T; p.Arg3Cys; c.7C>T, p.Arg3Cys (NM_001313913.2); short protein forms R3C.
Identifiers: ClinVar variation 765903 (VCV000765903.13), dbSNP rs766259893, ClinGen allele CA10529705.